The following is an entry in ClinVar:

NM_198334.3(GANAB):c.199_200del (p.Leu67fs)

Gene: GANAB (glucosidase II alpha subunit; minus strand). Cytogenetic location: 11q12.3.
Variant type: Microsatellite.
Coding change: c.199_200del on transcript NM_198334.3 (MANE Select); coding-DNA positions 199 to 200, 2 bases deleted (CT; older notation c.199_200delCT).
Protein change: p.Leu67fs; shifts the reading frame from leucine 67.
Molecular consequence: frameshift variant. On other transcripts: 5 prime UTR variant (4), intron variant (3).
Genome position (GRCh38, 1-based): chr11:62,639,411-62,639,412, AG deleted on the plus strand (CT on the coding strand, the reverse complement: GANAB is on the minus strand); deleting any 2 consecutive bases within chr11:62,639,411-62,639,416 gives the same sequence; the c. name uses the placement nearest the transcript's 3' end. VCF-style (leftmost placement, unchanged base first): chr11-62639410-TAG-T. GRCh37 (hg19) VCF-style: chr11-62406882-TAG-T.
Other names: c.199_200del (NM_198335.3); c.-97CT[2] (NM_001329222.2, NM_001329223.2); c.-582CT[2] (NM_001329224.2, NM_001329225.2); c.199_200del, p.Leu67fs (NM_198335.4); c.39-4416CT[2] (NM_001278193.2, NM_001278192.2); c.-40+211CT[2] (NM_001278194.2); c.199_200delCT (NM_198335.3); short protein forms L67fs.
Identifiers: ClinVar variation 3342290 (VCV003342290.4).

ClinVar aggregate classification (germline): Pathogenic/Likely pathogenic. Review status: criteria provided, multiple submitters, no conflicts (2 of 4 stars). 4 submissions from 4 submitters: Pathogenic (2); Likely pathogenic (1). 1 of the submissions does not count toward it. Last evaluated 2026-02-18.

Conditions:
GANAB-related disorder. Also called: GANAB-related condition.
Polycystic kidney disease 3 with or without polycystic liver disease. Also called: Polycystic kidney disease 3; POLYCYSTIC KIDNEY DISEASE, ADULT, TYPE III; Polycystic Kidney and/or Polycystic Liver Disease 3. Identifiers: MedGen C3887964, MONDO:0010916, OMIM 600666.

Submissions (4):

GeneDx
Classification: Pathogenic. Last evaluated: 2026-02-18. Review status: criteria provided, single submitter. Criteria: GeneDx Variant Classification Process June 2021. Collection method: clinical testing. Allele origin: germline.
Comment: Frameshift variant predicted to result in protein truncation or nonsense mediated decay in a gene for which loss of function is a known mechanism of disease; Not observed at significant frequency in large population cohorts (gnomAD); Has not been previously published as pathogenic or benign to our knowledge

Labcorp Genetics (formerly Invitae), Labcorp
Classification: Pathogenic. Last evaluated: 2025-07-09. Review status: criteria provided, single submitter. Criteria: Invitae Variant Classification Sherloc (09022015). Collection method: clinical testing. Allele origin: germline.
Comment: This sequence change creates a premature translational stop signal (p.Leu67Thrfs*5) in the GANAB gene. It is expected to result in an absent or disrupted protein product. Loss-of-function variants in GANAB are known to be pathogenic (PMID: 27259053). This variant is not present in population databases (gnomAD no frequency). This variant has not been reported in the literature in individuals affected with GANAB-related conditions. For these reasons, this variant has been classified as Pathogenic.

MVZ Medizinische Genetik Mainz
Classification: Likely pathogenic for Polycystic kidney disease 3 with or without polycystic liver disease. Last evaluated: 2024-09-10. Review status: criteria provided, single submitter. Criteria: UK Practice Guidelines For Variant Classification V4 01 2020. Collection method: clinical testing. Allele origin: germline. Inheritance: Autosomal dominant inheritance. Affected: yes. Observed: 1 variant allele.
Comment: ACMG Criteria: PVS1,PM2_SUP

PreventionGenetics, part of Exact Sciences
Classification: Pathogenic for GANAB-related condition. Last evaluated: 2024-07-30. Review status: no assertion criteria provided. Collection method: clinical testing. Allele origin: germline. Not counted in ClinVar's aggregate classification.
Comment: The GANAB c.199_200delCT variant is predicted to result in a frameshift and premature protein termination (p.Leu67Thrfs*5). To our knowledge, this variant has not been reported in the literature or in a large population database, indicating this variant is rare. Frameshift variants in GANAB are expected to be pathogenic. This variant is interpreted as pathogenic.

Literature cited by the submitters: PubMed 27259053 (cited by Labcorp Genetics (formerly Invitae), Labcorp).